The following is an entry in ClinVar:

ClinVar aggregate classification (germline): Uncertain significance (1 of 4 stars; one submission).

Conditions:
Leigh syndrome (NULS). Also called: Leigh's necrotizing encephalopathy; Leigh's disease; Leigh Syndrome (mtDNA deletion); Leigh Disease; Subacute necrotizing encephalopathy; Necrotizing encephalopathy infantile subacute of Leigh. Identifiers: Orphanet 506, MedGen C2931891, MONDO:0009723, OMIM 256000.

Submission:

Wong Mito Lab, Molecular and Human Genetics, Baylor College of Medicine
Classification: Uncertain significance for Leigh syndrome. Last evaluated: 2019-10-17. Review status: criteria provided, single submitter. Criteria: Modified ACMG Guidelines (Unpublished). Collection method: clinical testing. Allele origin: germline.
Comment: The NC_012920.1:m.8722C>T (YP_003024031.1:p.Arg66Trp) variant in MTATP6 gene is interpretated to be a Uncertain Significance variant based on the modified ACMG guidelines (unpublished). This variant meets the following evidence codes: PP6, PP7

NC_012920.1(MT-ATP6):m.8722C>T

Gene: MT-ATP6 (mitochondrially encoded ATP synthase 6; plus strand).
Variant type: single nucleotide variant.
Genome position: chrM-8722-C-T.
Identifiers: ClinVar variation 692964 (VCV000692964.1), dbSNP rs1603221733, ClinGen allele CA414797660.